The following is an entry in ClinVar:

ClinVar aggregate classification (germline): Uncertain significance (1 of 4 stars; one submission).

Conditions:
SEMA3C-related disorder. Also called: SEMA3C-related condition.

Allele frequency attached by ClinVar (database versions not stated): ExAC 0.00021; ESP Exome Variant Server 0.00023; gnomAD 0.00025; TOPMed 0.00029; gnomAD exomes 0.00040.
gnomAD v4.1: 576 of 1,516,796 alleles (0.038%); highest among the groups gnomAD compares: Non-Finnish European, 0.049%; 1 homozygote.

Submission:

PreventionGenetics, part of Exact Sciences
Classification: Uncertain significance for SEMA3C-related condition. Last evaluated: 2026-03-30. Review status: criteria provided, single submitter. Criteria: ACMG Guidelines, 2015. Collection method: clinical testing. Allele origin: germline.
Comment: The SEMA3C c.1039A>G variant is predicted to result in the amino acid substitution p.Ser347Gly. This variant has been reported in an individual with Hirschsprung disease (referred to as p.Ser329Gly, Jiang et al. 2015. PubMed ID: 25839327). Functional analysis showed that this variant has a mild defect in semaphorin dimerization and binding to the cognate neuropilin and plexin receptor (Jiang et al. 2015. PubMed ID: 25839327). This variant is reported in 0.038% of alleles in individuals of European (Non-Finnish) descent in gnomAD. At this time, the clinical significance of this variant is uncertain due to the absence of conclusive functional and genetic evidence.

NM_006379.5(SEMA3C):c.985A>G (p.Ser329Gly)

Gene: SEMA3C (semaphorin 3C; minus strand). Cytogenetic location: 7q21.11.
Variant type: single nucleotide variant.
Coding change: c.985A>G on transcript NM_006379.5 (MANE Select); coding-DNA position 985, A replaced by G.
Protein change: p.Ser329Gly; replaces serine 329 with glycine.
Molecular consequence: missense variant.
Genome position (GRCh38, 1-based): chr7:80,800,758, T>C on the plus strand (A>G on the coding strand, the complement: SEMA3C is on the minus strand). VCF-style: chr7-80800758-T-C. GRCh37 (hg19) VCF-style: chr7-80430074-T-C.
Other names: c.1039A>G, p.Ser347Gly (NM_001350120.2); c.811A>G, p.Ser271Gly (NM_001350121.2); short protein forms S271G, S329G, S347G.
Identifiers: ClinVar variation 2636003 (VCV002636003.4), dbSNP rs199738991, ClinGen allele CA4316263.